The following is an entry in ClinVar:

ClinVar aggregate classification (germline): Uncertain significance (1 of 4 stars; one submission).

Conditions:
Familial temporal lobe epilepsy 7. Identifiers: Orphanet 101046, MedGen C4225327, MONDO:0014639, OMIM 616436.
Norman-Roberts syndrome (LIS2). Also called: Lissencephaly 2 (Norman-Roberts type). Identifiers: Orphanet 89844, MedGen C0796089, MONDO:0009760, OMIM 257320.

Submission:

Labcorp Genetics (formerly Invitae), Labcorp
Classification: Uncertain significance for Familial temporal lobe epilepsy 7; Norman-Roberts syndrome. Last evaluated: 2025-10-02. Review status: criteria provided, single submitter. Criteria: Invitae Variant Classification Sherloc (09022015). Collection method: clinical testing. Allele origin: germline.
Comment: This sequence change replaces serine, which is neutral and polar, with glycine, which is neutral and non-polar, at codon 127 of the RELN protein (p.Ser127Gly). This variant is not present in population databases (gnomAD no frequency). This variant has not been reported in the literature in individuals affected with RELN-related conditions. ClinVar contains an entry for this variant (Variation ID: 3751245). Invitae Evidence Modeling of protein sequence and biophysical properties (such as structural, functional, and spatial information, amino acid conservation, physicochemical variation, residue mobility, and thermodynamic stability) indicates that this missense variant is not expected to disrupt RELN protein function with a negative predictive value of 80%. In summary, the available evidence is currently insufficient to determine the role of this variant in disease. Therefore, it has been classified as a Variant of Uncertain Significance.

NM_005045.4(RELN):c.379A>G (p.Ser127Gly)

Gene: RELN (reelin; minus strand). Cytogenetic location: 7q22.1.
Variant type: single nucleotide variant.
Coding change: c.379A>G on transcript NM_005045.4 (MANE Select); coding-DNA position 379, A replaced by G.
Protein change: p.Ser127Gly; replaces serine 127 with glycine.
Molecular consequence: missense variant.
Genome position (GRCh38, 1-based): chr7:103,833,631, T>C on the plus strand (A>G on the coding strand, the complement: RELN is on the minus strand). VCF-style: chr7-103833631-T-C. GRCh37 (hg19) VCF-style: chr7-103474078-T-C.
Other names: c.379A>G, p.Ser127Gly (NM_173054.3); short protein forms S127G.
Identifiers: ClinVar variation 3751245 (VCV003751245.2).